The following is an entry in ClinVar:

NM_000540.3(RYR1):c.14628G>A (p.Lys4876=)

Gene: RYR1 (ryanodine receptor 1; plus strand). Cytogenetic location: 19q13.2.
Variant type: single nucleotide variant.
Coding change: c.14628G>A on transcript NM_000540.3 (MANE Select); coding-DNA position 14628, G replaced by A.
Protein change: p.Lys4876=; no amino-acid change (lysine 4876 retained).
Molecular consequence: synonymous variant.
Genome position (GRCh38, 1-based): chr19:38,580,486, G>A. VCF-style: chr19-38580486-G-A. GRCh37 (hg19) VCF-style: chr19-39071126-G-A.
Other names: c.14613G>A, p.Lys4871= (NM_001042723.2).
Identifiers: ClinVar variation 808573 (VCV000808573.48), dbSNP rs1395234830, ClinGen allele CA507356166.

ClinVar aggregate classification (germline): Likely benign. Review status: criteria provided, multiple submitters, no conflicts (2 of 4 stars). 6 submissions from 6 submitters: Likely benign (6). Last evaluated 2025-08-26.

Conditions:
Malignant hyperthermia, susceptibility to, 1 (MHS1). Also called: Malignant hyperthermia suceptibility 1; RYR1-Related Malignant Hyperthermia Susceptibility; Anesthesia related hyperthermia; Malignant hyperpyrexia; Fulminating hyperpyrexia; Pharmacogenic myopathy. Identifiers: Orphanet 423, MedGen C2930980, MONDO:0007783, OMIM 145600.
RYR1-related disorder. Also called: RYR1-related condition; RYR1-related disorders. Identifiers: MedGen CN239331.

Allele frequency attached by ClinVar (database versions not stated): TOPMed below 0.00001; gnomAD 0.00001; gnomAD exomes 0.00001 and 0.00003.
gnomAD v4.1: 19 of 1,614,022 alleles (0.0012%); highest among the groups gnomAD compares: Middle Eastern, 0.016%; no homozygotes.

Submissions (6):

Labcorp Genetics (formerly Invitae), Labcorp
Classification: Likely benign for RYR1-related disorder. Last evaluated: 2025-08-26. Review status: criteria provided, single submitter. Criteria: Invitae Variant Classification Sherloc (09022015). Collection method: clinical testing. Allele origin: germline.

CeGaT Center for Human Genetics Tuebingen
Classification: Likely benign. Last evaluated: 2025-05-01. Review status: criteria provided, single submitter. Criteria: CeGaT Center For Human Genetics Tuebingen Variant Classification Criteria Version 2. Collection method: clinical testing. Allele origin: germline. Affected: yes. Observed: 3 variant alleles.
Comment: RYR1: BP4, BP7

Blueprint Genetics
Classification: Likely benign. Last evaluated: 2024-07-18. Review status: criteria provided, single submitter. Criteria: ACMG Guidelines, 2015. Collection method: clinical testing. Allele origin: germline.

All of Us Research Program, National Institutes of Health
Classification: Likely benign for Malignant hyperthermia, susceptibility to, 1. Last evaluated: 2023-11-02. Review status: criteria provided, single submitter. Criteria: ACMG Guidelines, 2015. Collection method: clinical testing. Allele origin: germline. Inheritance: Autosomal dominant inheritance. Observed: 3 variant alleles, 3 heterozygotes.
Comment: This study involves interpretation of variants in research participants for the purpose of population health screening. Participant phenotype was not available at the time of variant classification. Additional details can be found in publication PMID: 35346344, PMCID: PMC8962531

Color Diagnostics, LLC DBA Color Health
Classification: Likely benign for Malignant hyperthermia, susceptibility to, 1. Last evaluated: 2022-11-06. Review status: criteria provided, single submitter. Criteria: ACMG Guidelines, 2015. Collection method: clinical testing. Allele origin: germline.

GeneDx
Classification: Likely benign. Last evaluated: 2020-11-05. Review status: criteria provided, single submitter. Criteria: GeneDx Variant Classification Process June 2021. Collection method: clinical testing. Allele origin: germline. Affected: yes.